The following is an entry in ClinVar:

ClinVar aggregate classification (germline): Uncertain significance. Review status: criteria provided, multiple submitters, no conflicts (2 of 4 stars). 2 submissions from 2 submitters: Uncertain significance (2). Last evaluated 2025-02-28.

Allele frequency attached by ClinVar (database versions not stated): gnomAD 0.00001.
gnomAD v4.1: 1 of 1,204,507 alleles (0.000083%); no homozygotes.

Submissions (2):

Labcorp Genetics (formerly Invitae), Labcorp
Classification: Uncertain significance. Last evaluated: 2025-02-28. Review status: criteria provided, single submitter. Criteria: Invitae Variant Classification Sherloc (09022015). Collection method: clinical testing. Allele origin: germline.
Comment: This sequence change replaces serine, which is neutral and polar, with proline, which is neutral and non-polar, at codon 3718 of the HUWE1 protein (p.Ser3718Pro). This variant is not present in population databases (gnomAD no frequency). This variant has not been reported in the literature in individuals affected with HUWE1-related conditions. ClinVar contains an entry for this variant (Variation ID: 1304864). Invitae Evidence Modeling of protein sequence and biophysical properties (such as structural, functional, and spatial information, amino acid conservation, physicochemical variation, residue mobility, and thermodynamic stability) indicates that this missense variant is expected to disrupt HUWE1 protein function with a positive predictive value of 95%. In summary, the available evidence is currently insufficient to determine the role of this variant in disease. Therefore, it has been classified as a Variant of Uncertain Significance.

GeneDx
Classification: Uncertain significance. Last evaluated: 2024-09-05. Review status: criteria provided, single submitter. Criteria: GeneDx Variant Classification Process June 2021. Collection method: clinical testing. Allele origin: germline. Affected: yes.
Comment: Not observed in large population cohorts (gnomAD); In silico analysis, which includes protein predictors and evolutionary conservation, supports a deleterious effect; Has not been previously published as pathogenic or benign to our knowledge

NM_031407.7(HUWE1):c.11152T>C (p.Ser3718Pro)

Gene: HUWE1 (HECT, UBA and WWE domain containing E3 ubiquitin protein ligase 1; minus strand). Cytogenetic location: Xp11.22.
Variant type: single nucleotide variant.
Coding change: c.11152T>C on transcript NM_031407.7 (MANE Select); coding-DNA position 11152, T replaced by C.
Protein change: p.Ser3718Pro; replaces serine 3718 with proline.
Molecular consequence: missense variant.
Genome position (GRCh38, 1-based): chrX:53,544,659, A>G on the plus strand (T>C on the coding strand, the complement: HUWE1 is on the minus strand). VCF-style: chrX-53544659-A-G. GRCh37 (hg19) VCF-style: chrX-53571620-A-G.
Other names: short protein forms S3718P.
Identifiers: ClinVar variation 1304864 (VCV001304864.4), dbSNP rs2061478763, ClinGen allele CA413166318.